The following is an entry in ClinVar:

NM_004260.4(RECQL4):c.508G>C (p.Gly170Arg)

Gene: RECQL4 (RecQ like helicase 4; minus strand). Cytogenetic location: 8q24.3.
Variant type: single nucleotide variant.
Coding change: c.508G>C on transcript NM_004260.4 (MANE Select); coding-DNA position 508, G replaced by C.
Protein change: p.Gly170Arg; replaces glycine 170 with arginine.
Molecular consequence: missense variant. On other transcripts: 5 prime UTR variant (15), intron variant (3), non-coding transcript variant (3).
Genome position (GRCh38, 1-based): chr8:144,516,611, C>G on the plus strand (G>C on the coding strand, the complement: RECQL4 is on the minus strand). VCF-style: chr8-144516611-C-G. GRCh37 (hg19) VCF-style: chr8-145741995-C-G.
Other names: c.379G>C, p.Gly127Arg (NM_001413025.1); c.-626G>C (NM_001413027.1, NM_001413030.1, NM_001413031.1 and 2 more transcripts); c.508G>C, p.Gly170Arg (NM_001413033.1, NM_001413018.1, NM_001413019.1 and 4 more transcripts); c.-468G>C (NM_001413034.1); c.-564G>C (NM_001413035.1, NM_001413022.1, NM_001413023.1 and 5 more transcripts); c.355-198G>C (NM_001413029.1); c.-366-198G>C (NM_001413021.1); c.-367+78G>C (NM_001413028.1); and 2 more; short protein forms G127R, G170R.
Identifiers: ClinVar variation 2756064 (VCV002756064.4), dbSNP rs774750928, ClinGen allele CA4949269.
Genomic context (GRCh38, chr8:144,516,611, plus strand): 5'-AGCCAGGATCTAGGGAGCCCAGCCGCTGGCTCAGGGATGCCTGCAGATGCTGGAGCCGGC[C>G]TGGCCTTGGCTGGGGCTCAGGGAGCTGTGGAGGCTCATCACTGACTTTTTCTGCAAAGGA-3'
Protein context (NP_004251.4, residues 160-180): PQLPEPQPRP[Gly170Arg]RLQHLQASLS

ClinVar aggregate classification (germline): Uncertain significance. Review status: criteria provided, multiple submitters, no conflicts (2 of 4 stars). 2 submissions from 2 submitters: Uncertain significance (2). Last evaluated 2025-09-07.

Conditions:
Baller-Gerold syndrome (BGS). Also called: CRANIOSYNOSTOSIS WITH RADIAL DEFECTS. Identifiers: Orphanet 1225, MedGen C0265308, MONDO:0009039, OMIM 218600.
Inborn genetic diseases. Identifiers: MedGen C0950123, MeSH D030342.

gnomAD v4.1: 1 of 1,610,762 alleles (0.000062%); highest among the groups gnomAD compares: South Asian, 0.0011%; no homozygotes.

Submissions (2):

Ambry Genetics
Classification: Uncertain significance for Inborn genetic diseases. Last evaluated: 2025-09-07. Review status: criteria provided, single submitter. Criteria: Ambry Variant Classification Scheme 2023. Collection method: clinical testing. Allele origin: germline.
Comment: The p.G170R variant (also known as c.508G>C), located in coding exon 5 of the RECQL4 gene, results from a G to C substitution at nucleotide position 508. The glycine at codon 170 is replaced by arginine, an amino acid with dissimilar properties. This amino acid position is conserved. In addition, this alteration is predicted to be tolerated by in silico analysis. Based on the available evidence, the clinical significance of this variant remains unclear.

Labcorp Genetics (formerly Invitae), Labcorp
Classification: Uncertain significance for Baller-Gerold syndrome. Last evaluated: 2023-08-28. Review status: criteria provided, single submitter. Criteria: Invitae Variant Classification Sherloc (09022015). Collection method: clinical testing. Allele origin: germline.
Comment: In summary, the available evidence is currently insufficient to determine the role of this variant in disease. Therefore, it has been classified as a Variant of Uncertain Significance. Advanced modeling of protein sequence and biophysical properties (such as structural, functional, and spatial information, amino acid conservation, physicochemical variation, residue mobility, and thermodynamic stability) performed at Invitae indicates that this missense variant is not expected to disrupt RECQL4 protein function. This variant has not been reported in the literature in individuals affected with RECQL4-related conditions. This variant is present in population databases (rs774750928, gnomAD 0.003%). This sequence change replaces glycine, which is neutral and non-polar, with arginine, which is basic and polar, at codon 170 of the RECQL4 protein (p.Gly170Arg).